The following is an entry in ClinVar:

ClinVar aggregate classification (germline): Pathogenic (1 of 4 stars; one submission).

Conditions:
Hereditary cancer-predisposing syndrome. Also called: Neoplastic Syndromes, Hereditary; Hereditary neoplastic syndrome; Tumor predisposition; Hereditary Cancer Syndrome. Identifiers: Orphanet 140162, MedGen C0027672, MeSH D009386, MONDO:0015356.

Submission:

Ambry Genetics
Classification: Pathogenic for Hereditary cancer-predisposing syndrome. Last evaluated: 2022-12-21. Review status: criteria provided, single submitter. Criteria: Ambry Variant Classification Scheme 2023. Collection method: clinical testing. Allele origin: germline.
Comment: The p.Y177* pathogenic mutation (also known as c.531T>G), located in coding exon 6 of the NF2 gene, results from a T to G substitution at nucleotide position 531. This changes the amino acid from a tyrosine to a stop codon within coding exon 6. This variant is considered to be rare based on population cohorts in the Genome Aggregation Database (gnomAD). This alteration is expected to result in loss of function by premature protein truncation or nonsense-mediated mRNA decay. As such, this alteration is interpreted as a disease-causing mutation.

NM_000268.4(NF2):c.531T>G (p.Tyr177Ter)

Gene: NF2 (NF2, moesin-ezrin-radixin like (MERLIN) tumor suppressor; plus strand). Cytogenetic location: 22q12.2.
Variant type: single nucleotide variant.
Coding change: c.531T>G on transcript NM_000268.4 (MANE Select); coding-DNA position 531, T replaced by G.
Protein change: p.Tyr177Ter; replaces tyrosine 177 with a stop codon.
Molecular consequence: nonsense. On other transcripts: 5 prime UTR variant (1), intron variant (1).
Genome position (GRCh38, 1-based): chr22:29,655,608, T>G. VCF-style: chr22-29655608-T-G. GRCh37 (hg19) VCF-style: chr22-30051597-T-G.
Other names: c.417T>G, p.Tyr139Ter (NM_001407053.1, NM_001407056.1); c.408T>G, p.Tyr136Ter (NM_001407054.1, NM_001407058.1, NM_001407062.1 and 1 more transcripts); c.405T>G, p.Tyr135Ter (NM_001407055.1, NM_181828.3); c.531T>G, p.Tyr177Ter (NM_001407057.1, NM_001407059.1, NM_001407060.1 and 4 more transcripts); c.282T>G, p.Tyr94Ter (NM_001407063.1, NM_001407064.1, NM_181830.3 and 1 more transcripts); c.-4T>G (NM_001407065.1); c.300T>G, p.Tyr100Ter (NM_001407067.1); c.447+13323T>G (NM_181833.3); short protein forms Y136*, Y94*, Y135*, Y100*, Y139*, Y177*.
Identifiers: ClinVar variation 2453824 (VCV002453824.2), dbSNP rs780880330, ClinGen allele CA411142304.
Genomic context (GRCh38, chr22:29,655,608, plus strand): 5'-ATTTACTTCATGTGTAGGTTTTTTATTTTGCTCTATTTTTTGGTAGGTAATAAATCTGTA[T>G]CAGATGACTCCGGAAATGTGGGAGGAGAGAATTACTGCTTGGTACGCAGAGCACCGAGGC-3'